The following is an entry in ClinVar:

NM_000179.3(MSH6):c.962delinsAGAGCTAGTTGCT (p.Ser321Ter)

Gene: MSH6 (mutS homolog 6; plus strand). Cytogenetic location: 2p16.3.
Variant type: Indel.
Coding change: c.962delinsAGAGCTAGTTGCT on transcript NM_000179.3 (MANE Select); coding-DNA position 962, C replaced by AGAGCTAGTTGCT.
Protein change: p.Ser321Ter; replaces serine 321 with a stop codon.
Molecular consequence: nonsense. On other transcripts: non-coding transcript variant (4), intron variant (1).
Genome position (GRCh38, 1-based): chr2:47,798,945, C replaced by AGAGCTAGTTGCT. VCF-style: chr2-47798945-C-AGAGCTAGTTGCT. GRCh37 (hg19) VCF-style: chr2-48026084-C-AGAGCTAGTTGCT.
Other names: c.572delinsAGAGCTAGTTGCT, p.Ser191Ter (NM_001281492.2); c.56delinsAGAGCTAGTTGCT, p.Ser19Ter (NM_001281493.2, NM_001281494.2, NM_001406811.1 and 6 more transcripts); c.1058delinsAGAGCTAGTTGCT, p.Ser353Ter (NM_001406795.1, NM_001406802.1); c.962delinsAGAGCTAGTTGCT, p.Ser321Ter (NM_001406796.1, NM_001406798.1, NM_001406800.1 and 4 more transcripts); c.665delinsAGAGCTAGTTGCT, p.Ser222Ter (NM_001406797.1, NM_001406801.1, NM_001406805.1 and 10 more transcripts); c.437delinsAGAGCTAGTTGCT, p.Ser146Ter (NM_001406799.1, NM_001406806.1, NM_001406807.1); c.884delinsAGAGCTAGTTGCT, p.Ser295Ter (NM_001406804.1); c.968delinsAGAGCTAGTTGCT, p.Ser323Ter (NM_001406813.1); and 2 more; short protein forms S146*, S19*, S191*, S222*, S265*, S295*, S321*, S323*.
Identifiers: ClinVar variation 2673777 (VCV002673777.1), dbSNP rs2530581021, ClinGen allele CA2695200529.

ClinVar aggregate classification (germline): Pathogenic (1 of 4 stars; one submission).

Conditions:
Lynch syndrome 5 (LYNCH5). Also called: Colorectal cancer, hereditary nonpolyposis, type 5; Hereditary non-polyposis colorectal cancer, type 5. Identifiers: Orphanet 144, MedGen C1833477, MONDO:0013710, OMIM 614350. Disease mechanism: loss of function.

Submission:

Myriad Genetics, Inc.
Classification: Pathogenic for Lynch syndrome 5. Last evaluated: 2023-07-26. Review status: criteria provided, single submitter. Criteria: Myriad Autosomal Dominant, Autosomal Recessive and X-Linked Classification Criteria (2023). Collection method: clinical testing. Allele origin: unknown.
Comment: This variant is considered pathogenic. This variant creates a termination codon and is predicted to result in premature protein truncation.